The following is an entry in ClinVar:

NM_005502.4(ABCA1):c.847C>A (p.Gln283Lys)

Gene: ABCA1 (ATP binding cassette subfamily A member 1; minus strand). Cytogenetic location: 9q31.1.
Variant type: single nucleotide variant.
Coding change: c.847C>A on transcript NM_005502.4 (MANE Select); coding-DNA position 847, C replaced by A.
Protein change: p.Gln283Lys; replaces glutamine 283 with lysine.
Molecular consequence: missense variant.
Genome position (GRCh38, 1-based): chr9:104,840,486, G>T on the plus strand (C>A on the coding strand, the complement: ABCA1 is on the minus strand). VCF-style: chr9-104840486-G-T. GRCh37 (hg19) VCF-style: chr9-107602767-G-T.
Other names: short protein forms Q283K.
Identifiers: ClinVar variation 3835252 (VCV003835252.1).

ClinVar aggregate classification (germline): Uncertain significance (1 of 4 stars; one submission).

Conditions:
Cardiovascular phenotype. Identifiers: MedGen CN230736.

gnomAD v4.1: 8 of 1,614,052 alleles (0.0005%); highest among the groups gnomAD compares: Non-Finnish European, 0.00068%; no homozygotes.

Submission:

Ambry Genetics
Classification: Uncertain significance for Cardiovascular phenotype. Last evaluated: 2025-03-14. Review status: criteria provided, single submitter. Criteria: Ambry Variant Classification Scheme 2023. Collection method: clinical testing. Allele origin: germline.
Comment: The p.Q283K variant (also known as c.847C>A), located in coding exon 8 of the ABCA1 gene, results from a C to A substitution at nucleotide position 847. The glutamine at codon 283 is replaced by lysine, an amino acid with similar properties. This amino acid position is conserved. In addition, this alteration is predicted to be tolerated by in silico analysis. Based on the available evidence, the clinical significance of this variant remains unclear.